The following is an entry in ClinVar:

ClinVar aggregate classification (germline): Conflicting classifications of pathogenicity. Review status: criteria provided, conflicting classifications (1 of 4 stars). 4 submissions from 4 submitters: Uncertain significance (2); Likely benign (1). 1 of the submissions does not count toward it. Last evaluated 2025-12-26.

Conditions:
Usher syndrome type 1B (USH1B). Also called: Usher syndrome type IB. Identifiers: MedGen C1848638, MONDO:0700087.

Allele frequency attached by ClinVar (database versions not stated): gnomAD exomes 0.00002 and 0.00003; ExAC 0.00003; gnomAD 0.00010; TOPMed 0.00013.
gnomAD v4.1: 54 of 1,613,718 alleles (0.0033%); highest among the groups gnomAD compares: African/African-American, 0.033%; no homozygotes.

Submissions (4):

Labcorp Genetics (formerly Invitae), Labcorp
Classification: Uncertain significance. Last evaluated: 2025-12-26. Review status: criteria provided, single submitter. Criteria: Invitae Variant Classification Sherloc (09022015). Collection method: clinical testing. Allele origin: germline.
Comment: This sequence change falls in intron 12 of the MYO7A gene. It does not directly change the encoded amino acid sequence of the MYO7A protein. It affects a nucleotide within the consensus splice site. This variant is present in population databases (rs113261636, gnomAD 0.01%). This variant has not been reported in the literature in individuals affected with MYO7A-related conditions. ClinVar contains an entry for this variant (Variation ID: 852010). Variants that disrupt the consensus splice site are a relatively common cause of aberrant splicing (PMID: 17576681, 9536098). Algorithms developed to predict the effect of sequence changes on RNA splicing suggest that this variant is not likely to affect RNA splicing. In summary, the available evidence is currently insufficient to determine the role of this variant in disease. Therefore, it has been classified as a Variant of Uncertain Significance.

Mendelics
Classification: Uncertain significance. Last evaluated: 2022-05-04. Review status: criteria provided, single submitter. Criteria: Mendelics Assertion Criteria 2019. Collection method: clinical testing. Allele origin: germline.

Blueprint Genetics
Classification: Likely benign. Last evaluated: 2022-03-28. Review status: criteria provided, single submitter. Criteria: ACMG Guidelines, 2015. Collection method: clinical testing. Allele origin: germline.

Natera, Inc.
Classification: Uncertain significance for Usher syndrome type 1B. Last evaluated: 2020-03-18. Review status: no assertion criteria provided. Collection method: clinical testing. Allele origin: germline. Not counted in ClinVar's aggregate classification.

Literature cited by the submitters: PubMed 17576681 (cited by Labcorp Genetics (formerly Invitae), Labcorp); PubMed 9536098 (cited by Labcorp Genetics (formerly Invitae), Labcorp).

NM_000260.4(MYO7A):c.1343+5C>T

Gene: MYO7A (myosin VIIA; plus strand). Cytogenetic location: 11q13.5.
Variant type: single nucleotide variant.
Coding change: c.1343+5C>T on transcript NM_000260.4 (MANE Select); 5 bases into the intron after coding-DNA position 1343, C replaced by T.
Molecular consequence: intron variant.
Genome position (GRCh38, 1-based): chr11:77,161,120, C>T. VCF-style: chr11-77161120-C-T. GRCh37 (hg19) VCF-style: chr11-76872166-C-T.
Other names: c.1310+5C>T (NM_001369365.1); c.1343+5C>T (NM_001127180.2).
Identifiers: ClinVar variation 852010 (VCV000852010.9), dbSNP rs113261636, ClinGen allele CA6197456.